The following is an entry in ClinVar:

NM_033100.4(CDHR1):c.1661A>G (p.Glu554Gly)

Gene: CDHR1 (cadherin related family member 1; plus strand). Cytogenetic location: 10q23.1.
Variant type: single nucleotide variant.
Coding change: c.1661A>G on transcript NM_033100.4 (MANE Select); coding-DNA position 1661, A replaced by G.
Protein change: p.Glu554Gly; replaces glutamic acid 554 with glycine.
Molecular consequence: missense variant.
Genome position (GRCh38, 1-based): chr10:84,212,286, A>G. VCF-style: chr10-84212286-A-G. GRCh37 (hg19) VCF-style: chr10-85972042-A-G.
Other names: c.1661A>G, p.Glu554Gly (NM_001171971.3); short protein forms E554G.
Identifiers: ClinVar variation 964186 (VCV000964186.9), dbSNP rs868012473, ClinGen allele CA210386839.

ClinVar aggregate classification (germline): Uncertain significance (1 of 4 stars; one submission).

Allele frequency attached by ClinVar (database versions not stated): gnomAD exomes below 0.00001.
gnomAD v4.1: 1 of 1,614,236 alleles (0.000062%); highest among the groups gnomAD compares: African/African-American, 0.0013%; no homozygotes.

Submission:

Labcorp Genetics (formerly Invitae), Labcorp
Classification: Uncertain significance. Last evaluated: 2022-06-04. Review status: criteria provided, single submitter. Criteria: Invitae Variant Classification Sherloc (09022015). Collection method: clinical testing. Allele origin: germline.
Comment: In summary, the available evidence is currently insufficient to determine the role of this variant in disease. Therefore, it has been classified as a Variant of Uncertain Significance. Advanced modeling of protein sequence and biophysical properties (such as structural, functional, and spatial information, amino acid conservation, physicochemical variation, residue mobility, and thermodynamic stability) performed at Invitae indicates that this missense variant is not expected to disrupt CDHR1 protein function. ClinVar contains an entry for this variant (Variation ID: 964186). This variant has not been reported in the literature in individuals affected with CDHR1-related conditions. This variant is not present in population databases (gnomAD no frequency). This sequence change replaces glutamic acid, which is acidic and polar, with glycine, which is neutral and non-polar, at codon 554 of the CDHR1 protein (p.Glu554Gly).